The following is an entry in ClinVar:

ClinVar aggregate classification (germline): Likely benign (1 of 4 stars; one submission).

gnomAD v4.1: 3 of 1,577,950 alleles (0.00019%); highest among the groups gnomAD compares: Non-Finnish European, 0.00026%; no homozygotes.

Submission:

CeGaT Center for Human Genetics Tuebingen
Classification: Likely benign. Last evaluated: 2024-10-01. Review status: criteria provided, single submitter. Criteria: CeGaT Center For Human Genetics Tuebingen Variant Classification Criteria Version 2. Collection method: clinical testing. Allele origin: germline. Affected: yes. Observed: 1 variant allele.
Comment: DACT1: BP4, BP7

NM_001079520.2(DACT1):c.1848G>A (p.Ala616=)

Gene: DACT1 (dishevelled binding antagonist of beta catenin 1; plus strand). Cytogenetic location: 14q23.1.
Variant type: single nucleotide variant.
Coding change: c.1848G>A on transcript NM_001079520.2 (MANE Select); coding-DNA position 1848, G replaced by A.
Protein change: p.Ala616=; no amino-acid change (alanine 616 retained).
Molecular consequence: synonymous variant. On other transcripts: non-coding transcript variant (5).
Genome position (GRCh38, 1-based): chr14:58,646,582, G>A. VCF-style: chr14-58646582-G-A. GRCh37 (hg19) VCF-style: chr14-59113300-G-A.
Other names: c.1959G>A, p.Ala653= (NM_016651.6).
Identifiers: ClinVar variation 3389351 (VCV003389351.14).
Genomic context (GRCh38, chr14:58,646,582, plus strand): 5'-GAGTGGGGGCGGGCCCGAGGCTGGTGTTCCCGGCAGGCCCGCGGGCGGGGGCCACAGGGC[G>A]GGGAGCAGGGCGCATGGCCACGGACGGGAGGCGGTGGTGGCCAAACCTAAGCACAAGCGA-3'
Protein context (NP_001072988.1, residues 606-626): PGRPAGGGHR[Ala616=]GSRAHGHGRE